The following is an entry in ClinVar:

ClinVar aggregate classification (germline): Pathogenic/Likely pathogenic. Review status: criteria provided, multiple submitters, no conflicts (2 of 4 stars). 3 submissions from 3 submitters: Pathogenic (2); Likely pathogenic (1). Last evaluated 2025-11-12.

Conditions:
DNAH5-related disorder. Also called: DNAH5-related condition.
Primary ciliary dyskinesia. Also called: Ciliary dyskinesia. Identifiers: Orphanet 244, MedGen C0008780, MONDO:0016575, HP:0012265.

Allele frequency attached by ClinVar (database versions not stated): gnomAD exomes below 0.00001.
gnomAD v4.1: 1 of 1,614,144 alleles (0.000062%); highest among the groups gnomAD compares: Non-Finnish European, 0.000085%; no homozygotes.

Submissions (3):

Natera, Inc.
Classification: Likely pathogenic for Primary ciliary dyskinesia. Last evaluated: 2025-11-12. Review status: criteria provided, single submitter. Criteria: Natera Variant Classification Schema (03/2026). Collection method: clinical testing. Allele origin: germline.
Comment: The c.11536C>T variant in DNAH5 is a nonsense variant predicted to introduce a stop codon at amino acid 3846. This variant is expected to result in nonsense mediated decay, truncation, or a dysfunctional protein product. This variant is rare in the general population with a frequency below the threshold expected for the associated phenotype(s). Given the available evidence, this variant is classified as Likely Pathogenic.

Labcorp Genetics (formerly Invitae), Labcorp
Classification: Pathogenic for Primary ciliary dyskinesia. Last evaluated: 2025-03-18. Review status: criteria provided, single submitter. Criteria: Invitae Variant Classification Sherloc (09022015). Collection method: clinical testing. Allele origin: germline.
Comment: This sequence change creates a premature translational stop signal (p.Gln3846*) in the DNAH5 gene. It is expected to result in an absent or disrupted protein product. Loss-of-function variants in DNAH5 are known to be pathogenic (PMID: 11788826, 16627867). This variant is present in population databases (no rsID available, gnomAD 0.0009%). This variant has not been reported in the literature in individuals affected with DNAH5-related conditions. ClinVar contains an entry for this variant (Variation ID: 944438). For these reasons, this variant has been classified as Pathogenic.

PreventionGenetics, part of Exact Sciences
Classification: Pathogenic for DNAH5-related condition. Last evaluated: 2023-07-22. Review status: criteria provided, single submitter. Criteria: ACMG Guidelines, 2015. Collection method: clinical testing. Allele origin: germline.
Comment: The DNAH5 c.11536C>T variant is predicted to result in premature protein termination (p.Gln3846*). To our knowledge, this variant has not been reported in the literature. This variant is reported in 0.00088% of alleles in individuals of European (Non-Finnish) descent in gnomAD. Nonsense variants in DNAH5 are expected to be pathogenic. This variant is interpreted as pathogenic.

Literature cited by the submitters: PubMed 11788826 (cited by Labcorp Genetics (formerly Invitae), Labcorp); PubMed 16627867 (cited by Labcorp Genetics (formerly Invitae), Labcorp).

NM_001369.3(DNAH5):c.11536C>T (p.Gln3846Ter)

Gene: DNAH5 (dynein axonemal heavy chain 5; minus strand). Cytogenetic location: 5p15.2.
Variant type: single nucleotide variant.
Coding change: c.11536C>T on transcript NM_001369.3 (MANE Select); coding-DNA position 11536, C replaced by T.
Protein change: p.Gln3846Ter; replaces glutamine 3846 with a stop codon.
Molecular consequence: nonsense.
Genome position (GRCh38, 1-based): chr5:13,735,852, G>A on the plus strand (C>T on the coding strand, the complement: DNAH5 is on the minus strand). VCF-style: chr5-13735852-G-A. GRCh37 (hg19) VCF-style: chr5-13735961-G-A.
Other names: short protein forms Q3846*.
Identifiers: ClinVar variation 944438 (VCV000944438.10), dbSNP rs1443845070, ClinGen allele CA359224668.